The following is an entry in ClinVar:

ClinVar aggregate classification (germline): Uncertain significance. Review status: criteria provided, multiple submitters, no conflicts (2 of 4 stars). 5 submissions from 5 submitters: Uncertain significance (5). Last evaluated 2025-02-23.

Conditions:
Autosomal recessive nonsyndromic hearing loss 66 (DFNB66). Also called: Deafness, autosomal recessive 66. Identifiers: Orphanet 90636, MedGen C1857750, MONDO:0012442, OMIM 610212.
Nephronophthisis 19 (NPHP19). Identifiers: Orphanet 84081, MedGen C4015542, MONDO:0014537, OMIM 616217.
Isolated neonatal sclerosing cholangitis (NSC). Also called: Sclerosing cholangitis, neonatal. Identifiers: Orphanet 480556, MedGen C4479344, MONDO:0018816, OMIM 617394.
Inborn genetic diseases. Identifiers: MedGen C0950123, MeSH D030342.

Allele frequency attached by ClinVar (database versions not stated): ESP Exome Variant Server 0.00015; ExAC 0.00004; gnomAD 0.00010.
gnomAD v4.1: 265 of 1,606,360 alleles (0.016%); highest among the groups gnomAD compares: Admixed American, 0.16%; 1 homozygote.

Submissions (5):

GeneDx
Classification: Uncertain significance. Last evaluated: 2025-02-23. Review status: criteria provided, single submitter. Criteria: GeneDx Variant Classification Process June 2021. Collection method: clinical testing. Allele origin: germline.
Comment: In silico analysis indicates that this missense variant does not alter protein structure/function; Has not been previously published as pathogenic or benign to our knowledge

Labcorp Genetics (formerly Invitae), Labcorp
Classification: Uncertain significance for Autosomal recessive nonsyndromic hearing loss 66; Isolated neonatal sclerosing cholangitis. Last evaluated: 2022-03-20. Review status: criteria provided, single submitter. Criteria: Invitae Variant Classification Sherloc (09022015). Collection method: clinical testing. Allele origin: germline.
Comment: This sequence change replaces arginine, which is basic and polar, with histidine, which is basic and polar, at codon 257 of the DCDC2 protein (p.Arg257His). This variant is present in population databases (rs200233521, gnomAD 0.08%). This variant has not been reported in the literature in individuals affected with DCDC2-related conditions. ClinVar contains an entry for this variant (Variation ID: 595556). Algorithms developed to predict the effect of missense changes on protein structure and function are either unavailable or do not agree on the potential impact of this missense change (SIFT: "Deleterious"; PolyPhen-2: "Probably Damaging"; Align-GVGD: "Class C0"). In summary, the available evidence is currently insufficient to determine the role of this variant in disease. Therefore, it has been classified as a Variant of Uncertain Significance.

Fulgent Genetics
Classification: Uncertain significance for Autosomal recessive nonsyndromic hearing loss 66; Nephronophthisis 19; Isolated neonatal sclerosing cholangitis. Last evaluated: 2021-10-26. Review status: criteria provided, single submitter. Criteria: ACMG Guidelines, 2015. Collection method: clinical testing. Allele origin: unknown.

Ambry Genetics
Classification: Uncertain significance for Inborn genetic diseases. Last evaluated: 2021-09-15. Review status: criteria provided, single submitter. Criteria: Ambry Variant Classification Scheme 2023. Collection method: clinical testing. Allele origin: germline.

Eurofins Ntd Llc (ga)
Classification: Uncertain significance. Last evaluated: 2017-12-26. Review status: criteria provided, single submitter. Criteria: EGL Classification Definitions 2015. Collection method: clinical testing. Allele origin: germline. Observed: 1 variant allele, 1 heterozygote.

NM_016356.5(DCDC2):c.770G>A (p.Arg257His)

Gene: DCDC2 (doublecortin domain containing 2; minus strand). Cytogenetic location: 6p22.3.
Variant type: single nucleotide variant.
Coding change: c.770G>A on transcript NM_016356.5 (MANE Select); coding-DNA position 770, G replaced by A.
Protein change: p.Arg257His; replaces arginine 257 with histidine.
Molecular consequence: missense variant.
Genome position (GRCh38, 1-based): chr6:24,278,201, C>T on the plus strand (G>A on the coding strand, the complement: DCDC2 is on the minus strand). VCF-style: chr6-24278201-C-T. GRCh37 (hg19) VCF-style: chr6-24278429-C-T.
Other names: c.770G>A, p.Arg257His (NM_001195610.2); c.770G>A (NM_016356.3); short protein forms R257H.
Identifiers: ClinVar variation 595556 (VCV000595556.11), dbSNP rs200233521, ClinGen allele CA3654644.